The following is an entry in ClinVar:

ClinVar aggregate classification (germline): Uncertain significance. Review status: criteria provided, multiple submitters, no conflicts (2 of 4 stars). 2 submissions from 2 submitters: Uncertain significance (2). Last evaluated 2025-10-18.

Conditions:
Inborn genetic diseases. Identifiers: MedGen C0950123, MeSH D030342.
Cornelia de Lange syndrome 4 (CDLS4). Also called: CORNELIA DE LANGE SYNDROME 4 WITH OR WITHOUT MIDLINE BRAIN DEFECTS; RAD21-Related Cornelia de Lange Syndrome. Identifiers: Orphanet 199, MedGen C3553517, MONDO:0013864, OMIM 614701.

Allele frequency attached by ClinVar (database versions not stated): TOPMed below 0.00001; gnomAD exomes 0.00001; gnomAD 0.00002; ExAC 0.00004; 1000 Genomes Project 0.00040; 1000 Genomes Project 30x 0.00047.

Submissions (2):

Ambry Genetics
Classification: Uncertain significance for Inborn genetic diseases. Last evaluated: 2025-10-18. Review status: criteria provided, single submitter. Criteria: Ambry Variant Classification Scheme 2023. Collection method: clinical testing. Allele origin: germline.

Labcorp Genetics (formerly Invitae), Labcorp
Classification: Uncertain significance for Cornelia de Lange syndrome 4. Last evaluated: 2024-03-06. Review status: criteria provided, single submitter. Criteria: Invitae Variant Classification Sherloc (09022015). Collection method: clinical testing. Allele origin: germline.
Comment: This sequence change replaces methionine, which is neutral and non-polar, with valine, which is neutral and non-polar, at codon 497 of the RAD21 protein (p.Met497Val). This variant is present in population databases (rs533404372, gnomAD 0.02%). This variant has not been reported in the literature in individuals affected with RAD21-related conditions. Algorithms developed to predict the effect of missense changes on protein structure and function output the following: SIFT: "Not Available"; PolyPhen-2: "Benign"; Align-GVGD: "Not Available". The valine amino acid residue is found in multiple mammalian species, which suggests that this missense change does not adversely affect protein function. In summary, the available evidence is currently insufficient to determine the role of this variant in disease. Therefore, it has been classified as a Variant of Uncertain Significance.

NM_006265.3(RAD21):c.1489A>G (p.Met497Val)

Gene: RAD21 (RAD21 cohesin complex component; minus strand). Cytogenetic location: 8q24.11.
Variant type: single nucleotide variant.
Coding change: c.1489A>G on transcript NM_006265.3 (MANE Select); coding-DNA position 1489, A replaced by G.
Protein change: p.Met497Val; replaces methionine 497 with valine.
Molecular consequence: missense variant.
Genome position (GRCh38, 1-based): chr8:116,850,749, T>C on the plus strand (A>G on the coding strand, the complement: RAD21 is on the minus strand). VCF-style: chr8-116850749-T-C. GRCh37 (hg19) VCF-style: chr8-117862988-T-C.
Other names: short protein forms M497V.
Identifiers: ClinVar variation 2723488 (VCV002723488.4), dbSNP rs533404372, ClinGen allele CA4852790.